The following is an entry in ClinVar:

NM_181703.4(GJA5):c.665G>C (p.Ser222Thr)

Genes: GJA5 (gap junction protein alpha 5; minus strand), LOC122128420 (Sharpr-MPRA regulatory region 3144; plus strand). Cytogenetic location: 1q21.2.
Variant type: single nucleotide variant.
Coding change: c.665G>C on transcript NM_181703.4 (MANE Select); coding-DNA position 665, G replaced by C.
Protein change: p.Ser222Thr; replaces serine 222 with threonine.
Molecular consequence: missense variant.
Genome position (GRCh38, 1-based): chr1:147,758,574, C>G on the plus strand (G>C on the coding strand, the complement: GJA5 is on the minus strand). VCF-style: chr1-147758574-C-G. GRCh37 (hg19) VCF-style: chr1-147230682-C-G.
Other names: c.665G>C, p.Ser222Thr (NM_005266.7); short protein forms S222T.
Identifiers: ClinVar variation 1522710 (VCV001522710.6), dbSNP rs1553226908, ClinGen allele CA342395162.

ClinVar aggregate classification (germline): Uncertain significance (1 of 4 stars; one submission).

Conditions:
Atrial standstill 1 (ATRST1). Also called: CARDIOMYOPATHY, FAMILIAL, WITH CONDUCTION DISTURBANCE; Atrial standstill, digenic (GJA5/SCN5A); ATRIAL CARDIOMYOPATHY WITH HEART BLOCK. Identifiers: Orphanet 1344, MedGen C4551959, MONDO:0007171, OMIM 108770.
Atrial fibrillation, familial, 11 (ATFB11). Identifiers: MedGen C3279693, MONDO:0013544, OMIM 614049.

Allele frequency attached by ClinVar (database versions not stated): gnomAD exomes below 0.00001.
gnomAD v4.1: 19 of 1,613,666 alleles (0.0012%); highest among the groups gnomAD compares: Non-Finnish European, 0.0016%; no homozygotes.

Submission:

Labcorp Genetics (formerly Invitae), Labcorp
Classification: Uncertain significance for Atrial fibrillation, familial, 11; Atrial standstill 1. Last evaluated: 2021-08-04. Review status: criteria provided, single submitter. Criteria: Invitae Variant Classification Sherloc (09022015). Collection method: clinical testing. Allele origin: germline.
Comment: In summary, the available evidence is currently insufficient to determine the role of this variant in disease. Therefore, it has been classified as a Variant of Uncertain Significance. Algorithms developed to predict the effect of missense changes on protein structure and function are either unavailable or do not agree on the potential impact of this missense change (SIFT: "Not Available"; PolyPhen-2: "Probably Damaging"; Align-GVGD: "Not Available"). This variant has not been reported in the literature in individuals affected with GJA5-related conditions. This variant is not present in population databases (ExAC no frequency). This sequence change replaces serine with threonine at codon 222 of the GJA5 protein (p.Ser222Thr). The serine residue is highly conserved and there is a small physicochemical difference between serine and threonine.